The following is an entry in ClinVar:

ClinVar aggregate classification (germline): Likely benign (1 of 4 stars; one submission).

Conditions:
Leigh syndrome (NULS). Also called: Leigh's necrotizing encephalopathy; Leigh's disease; Leigh Syndrome (mtDNA deletion); Leigh Disease; Subacute necrotizing encephalopathy; Necrotizing encephalopathy infantile subacute of Leigh. Identifiers: Orphanet 506, MedGen C2931891, MONDO:0009723, OMIM 256000.

Submission:

Wong Mito Lab, Molecular and Human Genetics, Baylor College of Medicine
Classification: Likely benign for Leigh syndrome. Last evaluated: 2019-10-17. Review status: criteria provided, single submitter. Criteria: Modified ACMG Guidelines (Unpublished). Collection method: clinical testing. Allele origin: germline.
Comment: The NC_012920.1:m.7797T>C (YP_003024029.1:p.Ile71Thr) variant in MTCO2 gene is interpretated to be a Likely Benign variant based on the modified ACMG guidelines (unpublished). This variant meets the following evidence codes: BS4, BP5

Literature cited by the submitters: PubMed 18337306.

NC_012920.1(MT-CO2):m.7797T>C

Gene: MT-CO2 (mitochondrially encoded cytochrome c oxidase II; plus strand).
Variant type: single nucleotide variant.
Genome position: chrM-7797-T-C.
Identifiers: ClinVar variation 692778 (VCV000692778.1), dbSNP rs1603221143, ClinGen allele CA414793777.